The following is an entry in ClinVar:

ClinVar aggregate classification (germline): Uncertain significance (1 of 4 stars; one submission).

Submission:

GeneDx
Classification: Uncertain significance. Last evaluated: 2026-06-22. Review status: criteria provided, single submitter. Criteria: GeneDx Variant Classification Process June 2021. Collection method: clinical testing. Allele origin: germline.
Comment: Not observed at significant frequency in large population cohorts (gnomAD); In silico analysis supports that this missense variant has a deleterious effect on protein structure/function; Has not been previously published as pathogenic or benign to our knowledge

NM_014991.6(WDFY3):c.1849C>A (p.Pro617Thr)

Gene: WDFY3 (WD repeat and FYVE domain containing 3; minus strand). Cytogenetic location: 4q21.23.
Variant type: single nucleotide variant.
Coding change: c.1849C>A on transcript NM_014991.6 (MANE Select); coding-DNA position 1849, C replaced by A.
Protein change: p.Pro617Thr; replaces proline 617 with threonine.
Molecular consequence: missense variant.
Genome position (GRCh38, 1-based): chr4:84,817,430, G>T on the plus strand (C>A on the coding strand, the complement: WDFY3 is on the minus strand). VCF-style: chr4-84817430-G-T. GRCh37 (hg19) VCF-style: chr4-85738583-G-T.
Other names: short protein forms P617T.
Identifiers: ClinVar variation 4070886 (VCV004070886.2).